The following is an entry in ClinVar:

NM_033225.6(CSMD1):c.2580C>T (p.Leu860=)

Gene: CSMD1 (CUB and Sushi multiple domains 1; minus strand). Cytogenetic location: 8p23.2.
Variant type: single nucleotide variant.
Coding change: c.2580C>T on transcript NM_033225.6 (MANE Select); coding-DNA position 2580, C replaced by T.
Protein change: p.Leu860=; no amino-acid change (leucine 860 retained).
Molecular consequence: synonymous variant.
Genome position (GRCh38, 1-based): chr8:3,396,207, G>A on the plus strand (C>T on the coding strand, the complement: CSMD1 is on the minus strand). VCF-style: chr8-3396207-G-A. GRCh37 (hg19) VCF-style: chr8-3253729-G-A.
Identifiers: ClinVar variation 788699 (VCV000788699.6), dbSNP rs183456945, ClinGen allele CA4608280.

ClinVar aggregate classification (germline): Benign. Review status: criteria provided, single submitter (1 of 4 stars). 2 submissions from 2 submitters: Benign (1). 1 of the submissions does not count toward it. Last evaluated 2019-12-31.

Conditions:
CSMD1-related disorder. Also called: CSMD1-related condition.

Allele frequency attached by ClinVar (database versions not stated): gnomAD exomes 0.00079 and 0.00459; gnomAD 0.00132 and 0.00133; ExAC 0.00186; 1000 Genomes Project 0.00200; 1000 Genomes Project 30x 0.00203; TOPMed 0.00318.
gnomAD v4.1: 1,305 of 1,561,850 alleles (0.084%); highest among the groups gnomAD compares: Admixed American, 2.3%; 21 homozygotes.

Submissions (2):

Labcorp Genetics (formerly Invitae), Labcorp
Classification: Benign. Last evaluated: 2019-12-31. Review status: criteria provided, single submitter. Criteria: Invitae Variant Classification Sherloc (09022015). Collection method: clinical testing. Allele origin: germline.

PreventionGenetics, part of Exact Sciences
Classification: Benign for CSMD1-related condition. Last evaluated: 2019-12-04. Review status: no assertion criteria provided. Collection method: clinical testing. Allele origin: germline. Not counted in ClinVar's aggregate classification.
Comment: This variant is classified as benign based on ACMG/AMP sequence variant interpretation guidelines (Richards et al. 2015 PMID: 25741868, with internal and published modifications).